The following is an entry in ClinVar:

ClinVar aggregate classification (germline): Likely benign. Review status: criteria provided, multiple submitters, no conflicts (2 of 4 stars). 5 submissions from 5 submitters: Likely benign (5). Last evaluated 2026-01-30.

Conditions:
ZEB2-related disorder. Also called: ZEB2-related condition.
Mowat-Wilson syndrome (MOWS). Also called: Classic Mowat-Wilson Syndrome. Identifiers: Orphanet 2152, MedGen C1856113, MONDO:0009341, OMIM 235730.
Inborn genetic diseases. Identifiers: MedGen C0950123, MeSH D030342.

Allele frequency attached by ClinVar (database versions not stated): gnomAD 0.00004 and 0.00005; gnomAD exomes 0.00008 and 0.00013; TOPMed 0.00008; ExAC 0.00021.
gnomAD v4.1: 125 of 1,614,034 alleles (0.0077%); highest among the groups gnomAD compares: South Asian, 0.034%; 1 homozygote.

Submissions (5):

PreventionGenetics, part of Exact Sciences
Classification: Likely benign for ZEB2-related condition. Last evaluated: 2026-01-30. Review status: criteria provided, single submitter. Criteria: ACMG Guidelines, 2015. Collection method: clinical testing. Allele origin: germline.
Comment: This variant is classified as likely benign based on ACMG/AMP sequence variant interpretation guidelines (Richards et al. 2015 PMID: 25741868, with internal and published modifications).

Labcorp Genetics (formerly Invitae), Labcorp
Classification: Likely benign for Mowat-Wilson syndrome. Last evaluated: 2025-01-23. Review status: criteria provided, single submitter. Criteria: Invitae Variant Classification Sherloc (09022015). Collection method: clinical testing. Allele origin: germline.

Blueprint Genetics
Classification: Likely benign. Last evaluated: 2023-02-03. Review status: criteria provided, single submitter. Criteria: ACMG Guidelines, 2015. Collection method: clinical testing. Allele origin: germline.

GeneDx
Classification: Likely benign. Last evaluated: 2020-11-15. Review status: criteria provided, single submitter. Criteria: GeneDx Variant Classification Process June 2021. Collection method: clinical testing. Allele origin: germline. Affected: yes.

Ambry Genetics
Classification: Likely benign for Inborn genetic diseases. Last evaluated: 2017-11-16. Review status: criteria provided, single submitter. Criteria: Ambry Variant Classification Scheme 2023. Collection method: clinical testing. Allele origin: germline.

NM_014795.4(ZEB2):c.1527G>A (p.Pro509=)

Gene: ZEB2 (zinc finger E-box binding homeobox 2; minus strand). Cytogenetic location: 2q22.3.
Variant type: single nucleotide variant.
Coding change: c.1527G>A on transcript NM_014795.4 (MANE Select); coding-DNA position 1527, G replaced by A.
Protein change: p.Pro509=; no amino-acid change (proline 509 retained).
Molecular consequence: synonymous variant.
Genome position (GRCh38, 1-based): chr2:144,399,660, C>T on the plus strand (G>A on the coding strand, the complement: ZEB2 is on the minus strand). VCF-style: chr2-144399660-C-T. GRCh37 (hg19) VCF-style: chr2-145157227-C-T.
Other names: c.1455G>A, p.Pro485= (NM_001171653.2).
Identifiers: ClinVar variation 516856 (VCV000516856.19), dbSNP rs759999662, ClinGen allele CA1898327.